The following is an entry in ClinVar:

NM_015627.3(LDLRAP1):c.733A>T (p.Ser245Cys)

Gene: LDLRAP1 (low density lipoprotein receptor adaptor protein 1; plus strand). Cytogenetic location: 1p36.11.
Variant type: single nucleotide variant.
Coding change: c.733A>T on transcript NM_015627.3 (MANE Select); coding-DNA position 733, A replaced by T.
Protein change: p.Ser245Cys; replaces serine 245 with cysteine.
Molecular consequence: missense variant.
Genome position (GRCh38, 1-based): chr1:25,563,777, A>T. VCF-style: chr1-25563777-A-T. GRCh37 (hg19) VCF-style: chr1-25890268-A-T.
Other names: short protein forms S245C.
Identifiers: ClinVar variation 969854 (VCV000969854.6), dbSNP rs2044408614, ClinGen allele CA339074685.
Genomic context (GRCh38, chr1:25,563,777, plus strand): 5'-ACGGTCAGCGCCAACACCACCAACATGGACGAGGTGCCGCGGCCACAAGCCTTGAGTGGC[A>T]GCAGTGTTGTCTGGGTGAGTGGTTGTGTGGCCAGCAGATCGGTGATCCTCAGCCTGACCT-3'
Protein context (NP_056442.2, residues 235-255): EVPRPQALSG[Ser245Cys]SVVWELDDGL

ClinVar aggregate classification (germline): Uncertain significance (1 of 4 stars; one submission).

Conditions:
Hypercholesterolemia, familial, 4 (FHCL4). Also called: HYPERCHOLESTEROLEMIA, AUTOSOMAL RECESSIVE, 1; HYPERCHOLESTEROLEMIA, AUTOSOMAL RECESSIVE, 2. Identifiers: Orphanet 391665, MedGen C1863512, MONDO:0011374, OMIM 603813.

Submission:

Labcorp Genetics (formerly Invitae), Labcorp
Classification: Uncertain significance for Hypercholesterolemia, familial, 4. Last evaluated: 2021-08-31. Review status: criteria provided, single submitter. Criteria: Invitae Variant Classification Sherloc (09022015). Collection method: clinical testing. Allele origin: germline.
Comment: This sequence change replaces serine with cysteine at codon 245 of the LDLRAP1 protein (p.Ser245Cys). The serine residue is weakly conserved and there is a moderate physicochemical difference between serine and cysteine. This variant is not present in population databases (ExAC no frequency). This variant has not been reported in the literature in individuals affected with LDLRAP1-related conditions. Algorithms developed to predict the effect of missense changes on protein structure and function are either unavailable or do not agree on the potential impact of this missense change (SIFT: "Deleterious"; PolyPhen-2: "Possibly Damaging"; Align-GVGD: "Class C15"). In summary, the available evidence is currently insufficient to determine the role of this variant in disease. Therefore, it has been classified as a Variant of Uncertain Significance.